The following is an entry in ClinVar:

ClinVar aggregate classification (germline): Uncertain significance. Review status: criteria provided, multiple submitters, no conflicts (2 of 4 stars). 2 submissions from 2 submitters: Uncertain significance (2). Last evaluated 2025-02-28.

Conditions:
Charcot-Marie-Tooth disease axonal type 2O. Also called: CHARCOT-MARIE-TOOTH NEUROPATHY, AXONAL, TYPE 2O; CHARCOT-MARIE-TOOTH DISEASE, AXONAL, AUTOSOMAL DOMINANT, TYPE 2O; Charcot-Marie-Tooth disease, axonal, type 20; Charcot-Marie-Tooth Neuropathy Type 2O. Identifiers: Orphanet 284232, MedGen C3280220, MONDO:0013644, OMIM 614228.

Allele frequency attached by ClinVar (database versions not stated): TOPMed 0.00001.

Submissions (2):

Labcorp Genetics (formerly Invitae), Labcorp
Classification: Uncertain significance for Charcot-Marie-Tooth disease axonal type 2O. Last evaluated: 2025-02-28. Review status: criteria provided, single submitter. Criteria: Invitae Variant Classification Sherloc (09022015). Collection method: clinical testing. Allele origin: germline.
Comment: This sequence change replaces arginine, which is basic and polar, with histidine, which is basic and polar, at codon 4143 of the DYNC1H1 protein (p.Arg4143His). This variant is not present in population databases (gnomAD no frequency). This variant has not been reported in the literature in individuals affected with DYNC1H1-related conditions. ClinVar contains an entry for this variant (Variation ID: 434997). Invitae Evidence Modeling of protein sequence and biophysical properties (such as structural, functional, and spatial information, amino acid conservation, physicochemical variation, residue mobility, and thermodynamic stability) indicates that this missense variant is not expected to disrupt DYNC1H1 protein function with a negative predictive value of 95%. In summary, the available evidence is currently insufficient to determine the role of this variant in disease. Therefore, it has been classified as a Variant of Uncertain Significance.

Genetic Services Laboratory, University of Chicago
Classification: Uncertain significance. Last evaluated: 2016-12-05. Review status: criteria provided, single submitter. Criteria: ACMG Guidelines, 2015. Collection method: clinical testing. Allele origin: germline. Affected: no.

NM_001376.5(DYNC1H1):c.12428G>A (p.Arg4143His)

Gene: DYNC1H1 (dynein cytoplasmic 1 heavy chain 1; plus strand). Cytogenetic location: 14q32.31.
Variant type: single nucleotide variant.
Coding change: c.12428G>A on transcript NM_001376.5 (MANE Select); coding-DNA position 12428, G replaced by A.
Protein change: p.Arg4143His; replaces arginine 4143 with histidine.
Molecular consequence: missense variant.
Genome position (GRCh38, 1-based): chr14:102,042,663, G>A. VCF-style: chr14-102042663-G-A. GRCh37 (hg19) VCF-style: chr14-102509000-G-A.
Other names: short protein forms R4143H.
Identifiers: ClinVar variation 434997 (VCV000434997.7), dbSNP rs867634752, ClinGen allele CA266979483.